The following is an entry in ClinVar:

NM_004385.5(VCAN):c.1924A>G (p.Thr642Ala)

Gene: VCAN (versican; plus strand). Cytogenetic location: 5q14.3.
Variant type: single nucleotide variant.
Coding change: c.1924A>G on transcript NM_004385.5 (MANE Select); coding-DNA position 1924, A replaced by G.
Protein change: p.Thr642Ala; replaces threonine 642 with alanine.
Molecular consequence: missense variant. On other transcripts: intron variant (2).
Genome position (GRCh38, 1-based): chr5:83,520,230, A>G. VCF-style: chr5-83520230-A-G. GRCh37 (hg19) VCF-style: chr5-82816049-A-G.
Other names: c.1924A>G, p.Thr642Ala (NM_001164098.2); c.1042+7834A>G (NM_001164097.2, NM_001126336.3); c.1924A>G (NM_004385.4); short protein forms T642A.
Identifiers: ClinVar variation 1930022 (VCV001930022.8), dbSNP rs767181153, ClinGen allele CA3332752.
Genomic context (GRCh38, chr5:83,520,230, plus strand): 5'-TGGGAAGAGAGACAAACTAGTGGTAGGATAACGGAAGAGTTTCTTGGCAAATATCTGTCT[A>G]CTACACCTTTTCCATCACAGCATCGTACAGAAATAGAATTGTTTCCTTATTCTGGTGATA-3'
Protein context (NP_004376.2, residues 632-652): TEEFLGKYLS[Thr642Ala]TPFPSQHRTE

ClinVar aggregate classification (germline): Conflicting classifications of pathogenicity. Review status: criteria provided, conflicting classifications (1 of 4 stars). 3 submissions from 3 submitters: Uncertain significance (2); Likely benign (1). Last evaluated 2025-11-20.

Conditions:
Inborn genetic diseases. Identifiers: MedGen C0950123, MeSH D030342.

Allele frequency attached by ClinVar (database versions not stated): gnomAD 0.00001; ExAC 0.00005.
gnomAD v4.1: 54 of 1,613,876 alleles (0.0033%); highest among the groups gnomAD compares: South Asian, 0.058%; 1 homozygote.

Submissions (3):

Labcorp Genetics (formerly Invitae), Labcorp
Classification: Uncertain significance. Last evaluated: 2025-11-20. Review status: criteria provided, single submitter. Criteria: Invitae Variant Classification Sherloc (09022015). Collection method: clinical testing. Allele origin: germline.
Comment: This sequence change replaces threonine, which is neutral and polar, with alanine, which is neutral and non-polar, at codon 642 of the VCAN protein (p.Thr642Ala). This variant is present in population databases (rs767181153, gnomAD 0.05%), and has an allele count higher than expected for a pathogenic variant. This variant has not been reported in the literature in individuals affected with VCAN-related conditions. ClinVar contains an entry for this variant (Variation ID: 1930022). An algorithm developed to predict the effect of missense changes on protein structure and function outputs the following: PolyPhen-2: "Benign". The alanine amino acid residue is found in multiple mammalian species, which suggests that this missense change does not adversely affect protein function. In summary, the available evidence is currently insufficient to determine the role of this variant in disease. Therefore, it has been classified as a Variant of Uncertain Significance.

Ambry Genetics
Classification: Uncertain significance for Inborn genetic diseases. Last evaluated: 2023-06-26. Review status: criteria provided, single submitter. Criteria: Ambry Variant Classification Scheme 2023. Collection method: clinical testing. Allele origin: germline.

Blueprint Genetics
Classification: Likely benign. Last evaluated: 2022-06-02. Review status: criteria provided, single submitter. Criteria: ACMG Guidelines, 2015. Collection method: clinical testing. Allele origin: germline.